The following is an entry in ClinVar:

ClinVar aggregate classification (germline): Uncertain significance. Review status: criteria provided, multiple submitters, no conflicts (2 of 4 stars). 4 submissions from 4 submitters: Uncertain significance (4). Last evaluated 2025-02-12.

Conditions:
Sotos syndrome (SOTOS). Also called: SOTOS SYNDROME 1; CEREBRAL GIGANTISM; Sotos' syndrome; CHROMOSOME 5q35 DELETION SYNDROME; Distinctive facial appearance, overgrowth in childhood, and learning disabilities or delayed development. Identifiers: Orphanet 821, MedGen C0175695, MONDO:0019349, OMIM 117550.
Inborn genetic diseases. Identifiers: MedGen C0950123, MeSH D030342.

Allele frequency attached by ClinVar (database versions not stated): TOPMed below 0.00001; ESP Exome Variant Server 0.00008.
gnomAD v4.1: 2 of 1,614,190 alleles (0.00012%); highest among the groups gnomAD compares: Non-Finnish European, 0.00017%; no homozygotes.

Submissions (4):

Ambry Genetics
Classification: Uncertain significance for Inborn genetic diseases. Last evaluated: 2025-02-12. Review status: criteria provided, single submitter. Criteria: Ambry Variant Classification Scheme 2023. Collection method: clinical testing. Allele origin: germline.

Fulgent Genetics
Classification: Uncertain significance for Sotos syndrome. Last evaluated: 2024-06-17. Review status: criteria provided, single submitter. Criteria: ACMG Guidelines, 2015. Collection method: clinical testing. Allele origin: germline.

Labcorp Genetics (formerly Invitae), Labcorp
Classification: Uncertain significance. Last evaluated: 2021-04-28. Review status: criteria provided, single submitter. Criteria: Invitae Variant Classification Sherloc (09022015). Collection method: clinical testing. Allele origin: germline.
Comment: In summary, the available evidence is currently insufficient to determine the role of this variant in disease. Therefore, it has been classified as a Variant of Uncertain Significance. Advanced modeling of protein sequence and biophysical properties (such as structural, functional, and spatial information, amino acid conservation, physicochemical variation, residue mobility, and thermodynamic stability) performed at Invitae indicates that this missense variant is not expected to disrupt NSD1 protein function. This variant has not been reported in the literature in individuals with NSD1-related conditions. This variant is not present in population databases (ExAC no frequency). This sequence change replaces valine with leucine at codon 20 of the NSD1 protein (p.Val20Leu). The valine residue is weakly conserved and there is a small physicochemical difference between valine and leucine.

Revvity Omics, Revvity
Classification: Uncertain significance for Sotos syndrome. Last evaluated: 2019-09-04. Review status: criteria provided, single submitter. Criteria: ACMG Guidelines, 2015. Collection method: clinical testing. Allele origin: germline.

NM_022455.5(NSD1):c.58G>T (p.Val20Leu)

Gene: NSD1 (nuclear receptor binding SET domain protein 1; plus strand). Cytogenetic location: 5q35.3.
Variant type: single nucleotide variant.
Coding change: c.58G>T on transcript NM_022455.5 (MANE Select); coding-DNA position 58, G replaced by T.
Protein change: p.Val20Leu; replaces valine 20 with leucine.
Molecular consequence: missense variant.
Genome position (GRCh38, 1-based): chr5:177,135,161, G>T. VCF-style: chr5-177135161-G-T. GRCh37 (hg19) VCF-style: chr5-176562162-G-T.
Other names: c.-76G>T (NM_001365684.2, NM_001409305.1, NM_001409306.1 and 4 more transcripts); c.58G>T, p.Val20Leu (NM_001409301.1, NM_001409302.1, NM_001409303.1 and 1 more transcripts); short protein forms V20L.
Identifiers: ClinVar variation 1400597 (VCV001400597.12), dbSNP rs377302741, ClinGen allele CA132834028.